The following is an entry in ClinVar:

ClinVar aggregate classification (germline): Uncertain significance. Review status: criteria provided, multiple submitters, no conflicts (2 of 4 stars). 2 submissions from 2 submitters: Uncertain significance (2). Last evaluated 2026-01-21.

Conditions:
Retinitis pigmentosa 20 (RP20). Identifiers: Orphanet 791, MedGen C3151086, MONDO:0013425, OMIM 613794.
Leber congenital amaurosis 2 (LCA2). Also called: AMAUROSIS CONGENITA OF LEBER II; Autosomal Recessive RPE65-Related Retinal Degeneration. Identifiers: Orphanet 65, MedGen C1859844, MONDO:0008765, OMIM 204100. Disease mechanism: loss of function.
Inborn genetic diseases. Identifiers: MedGen C0950123, MeSH D030342.

gnomAD v4.1: 2 of 1,613,728 alleles (0.00012%); highest among the groups gnomAD compares: Non-Finnish European, 0.000085%; no homozygotes.

Submissions (2):

Labcorp Genetics (formerly Invitae), Labcorp
Classification: Uncertain significance for Leber congenital amaurosis 2; Retinitis pigmentosa 20. Last evaluated: 2026-01-21. Review status: criteria provided, single submitter. Criteria: Invitae Variant Classification Sherloc (09022015). Collection method: clinical testing. Allele origin: germline.
Comment: This sequence change replaces tyrosine, which is neutral and polar, with phenylalanine, which is neutral and non-polar, at codon 171 of the RPE65 protein (p.Tyr171Phe). This variant is not present in population databases (gnomAD no frequency). This variant has not been reported in the literature in individuals affected with RPE65-related conditions. ClinVar contains an entry for this variant (Variation ID: 4156401). Invitae Evidence Modeling of protein sequence and biophysical properties (such as structural, functional, and spatial information, amino acid conservation, physicochemical variation, residue mobility, and thermodynamic stability) indicates that this missense variant is not expected to disrupt RPE65 protein function with a negative predictive value of 80%. In summary, the available evidence is currently insufficient to determine the role of this variant in disease. Therefore, it has been classified as a Variant of Uncertain Significance.

Ambry Genetics
Classification: Uncertain significance for Inborn genetic diseases. Last evaluated: 2025-08-28. Review status: criteria provided, single submitter. Criteria: Ambry Variant Classification Scheme 2023. Collection method: clinical testing. Allele origin: germline.

NM_000329.3(RPE65):c.512A>T (p.Tyr171Phe)

Gene: RPE65 (retinoid isomerohydrolase RPE65; minus strand). Cytogenetic location: 1p31.3.
Variant type: single nucleotide variant.
Coding change: c.512A>T on transcript NM_000329.3 (MANE Select); coding-DNA position 512, A replaced by T.
Protein change: p.Tyr171Phe; replaces tyrosine 171 with phenylalanine.
Molecular consequence: missense variant.
Genome position (GRCh38, 1-based): chr1:68,440,984, T>A on the plus strand (A>T on the coding strand, the complement: RPE65 is on the minus strand). VCF-style: chr1-68440984-T-A. GRCh37 (hg19) VCF-style: chr1-68906667-T-A.
Other names: c.404A>T, p.Tyr135Phe (NM_001406853.1); c.236A>T, p.Tyr79Phe (NM_001406856.1, NM_001406857.1); c.512A>T, p.Tyr171Phe (NM_001406859.1); short protein forms Y135F, Y171F, Y79F.
Identifiers: ClinVar variation 4156401 (VCV004156401.2).
Genomic context (GRCh38, chr1:68,440,984, plus strand): 5'-TTGTAAACGGTTCCATCATTTTCAATGTGGGGGTGAGCAGTGGCCCCATTGACAGAGACA[T>A]AGTTGCAAAGATCAACCTACGGAAGTAAAGTGAATGTCCTCCAGTTGAGAGAAGGAAGAT-3'
Protein context (NP_000320.1, residues 161-181): ETIKQVDLCN[Tyr171Phe]VSVNGATAHP